The following is an entry in ClinVar:

NM_001458.5(FLNC):c.786C>G (p.Leu262=)

Gene: FLNC (filamin C; plus strand). Cytogenetic location: 7q32.1.
Variant type: single nucleotide variant.
Coding change: c.786C>G on transcript NM_001458.5 (MANE Select); coding-DNA position 786, C replaced by G.
Protein change: p.Leu262=; no amino-acid change (leucine 262 retained).
Molecular consequence: synonymous variant.
Genome position (GRCh38, 1-based): chr7:128,837,484, C>G. VCF-style: chr7-128837484-C-G. GRCh37 (hg19) VCF-style: chr7-128477538-C-G.
Other names: c.786C>G, p.Leu262= (NM_001127487.2).
Identifiers: ClinVar variation 1706790 (VCV001706790.8), dbSNP rs761442321, ClinGen allele CA4474124.

ClinVar aggregate classification (germline): Likely benign. Review status: criteria provided, multiple submitters, no conflicts (2 of 4 stars). 4 submissions from 4 submitters: Likely benign (4). Last evaluated 2026-09-01.

Conditions:
Hypertrophic cardiomyopathy 26. Also called: Cardiomyopathy, familial hypertrophic, 26. Identifiers: Orphanet 75249, MedGen C4310749, MONDO:0014883, OMIM 617047.
Distal myopathy with posterior leg and anterior hand involvement. Also called: WILLIAMS DISTAL MYOPATHY. Identifiers: Orphanet 63273, MedGen C3279722, MONDO:0013550, OMIM 614065.
Myofibrillar myopathy 5. Also called: Filaminopathy (type); FILAMINOPATHY, AUTOSOMAL DOMINANT. Identifiers: Orphanet 171445, MedGen C1836050, MONDO:0012289, OMIM 609524.
Cardiovascular phenotype. Identifiers: MedGen CN230736.

Allele frequency attached by ClinVar (database versions not stated): gnomAD 0.00001; gnomAD exomes 0.00001; TOPMed 0.00001; ExAC 0.00002.

Submissions (4):

CeGaT Center for Human Genetics Tuebingen
Classification: Likely benign. Last evaluated: 2026-09-01. Review status: criteria provided, single submitter. Criteria: CeGaT Center For Human Genetics Tuebingen Variant Classification Criteria Version 2. Collection method: clinical testing. Allele origin: germline. Affected: yes. Observed: 1 variant allele.
Comment: FLNC: BP4, BP7

Labcorp Genetics (formerly Invitae), Labcorp
Classification: Likely benign for Distal myopathy with posterior leg and anterior hand involvement; Myofibrillar myopathy 5; Hypertrophic cardiomyopathy 26. Last evaluated: 2025-05-16. Review status: criteria provided, single submitter. Criteria: Invitae Variant Classification Sherloc (09022015). Collection method: clinical testing. Allele origin: germline.

GeneDx
Classification: Likely benign. Last evaluated: 2021-05-28. Review status: criteria provided, single submitter. Criteria: GeneDx Variant Classification Process June 2021. Collection method: clinical testing. Allele origin: germline. Affected: yes.
Comment: See Variant Classification Assertion Criteria.

Ambry Genetics
Classification: Likely benign for Cardiovascular phenotype. Last evaluated: 2020-01-17. Review status: criteria provided, single submitter. Criteria: Ambry Variant Classification Scheme 2023. Collection method: clinical testing. Allele origin: germline.